The following is an entry in ClinVar:

ClinVar aggregate classification (germline): Uncertain significance (1 of 4 stars; one submission).

Conditions:
Neuronal ceroid lipofuscinosis 1 (CLN1). Also called: CEROID LIPOFUSCINOSIS, NEURONAL, 1, VARIABLE AGE AT ONSET; PPT1-Related Neuronal Ceroid-Lipofuscinosis. Identifiers: Orphanet 228329, MedGen C1850451, MONDO:0009744, OMIM 256730.

Submission:

Labcorp Genetics (formerly Invitae), Labcorp
Classification: Uncertain significance for Neuronal ceroid lipofuscinosis 1. Last evaluated: 2019-10-22. Review status: criteria provided, single submitter. Criteria: Invitae Variant Classification Sherloc (09022015). Collection method: clinical testing. Allele origin: germline.
Comment: This sequence change replaces asparagine with tyrosine at codon 212 of the PPT1 protein (p.Asn212Tyr). The asparagine residue is highly conserved and there is a large physicochemical difference between asparagine and tyrosine. This variant is not present in population databases (ExAC no frequency). This variant has not been reported in the literature in individuals with PPT1-related conditions. Algorithms developed to predict the effect of missense changes on protein structure and function are either unavailable or do not agree on the potential impact of this missense change (SIFT: "Deleterious"; PolyPhen-2: "Probably Damaging"; Align-GVGD: "Class C15"). In summary, the available evidence is currently insufficient to determine the role of this variant in disease. Therefore, it has been classified as a Variant of Uncertain Significance.

NM_000310.4(PPT1):c.634A>T (p.Asn212Tyr)

Gene: PPT1 (palmitoyl-protein thioesterase 1; minus strand). Cytogenetic location: 1p34.2.
Variant type: single nucleotide variant.
Coding change: c.634A>T on transcript NM_000310.4 (MANE Select); coding-DNA position 634, A replaced by T.
Protein change: p.Asn212Tyr; replaces asparagine 212 with tyrosine.
Molecular consequence: missense variant.
Genome position (GRCh38, 1-based): chr1:40,078,652, T>A on the plus strand (A>T on the coding strand, the complement: PPT1 is on the minus strand). VCF-style: chr1-40078652-T-A. GRCh37 (hg19) VCF-style: chr1-40544324-T-A.
Other names: c.325A>T, p.Asn109Tyr (NM_001142604.2); c.634A>T, p.Asn212Tyr (NM_001363695.2); short protein forms N212Y, N109Y.
Identifiers: ClinVar variation 971393 (VCV000971393.9), dbSNP rs375831846, ClinGen allele CA21005886.